The following is an entry in ClinVar:

ClinVar aggregate classification (germline): Uncertain significance (1 of 4 stars; one submission).

Conditions:
Hereditary cancer-predisposing syndrome. Also called: Hereditary Cancer Syndrome; Hereditary neoplastic syndrome; Neoplastic Syndromes, Hereditary; Tumor predisposition. Identifiers: Orphanet 140162, MedGen C0027672, MeSH D009386, MONDO:0015356.

Submission:

Ambry Genetics
Classification: Uncertain significance for Hereditary cancer-predisposing syndrome. Last evaluated: 2025-05-20. Review status: criteria provided, single submitter. Criteria: Ambry Variant Classification Scheme 2023. Collection method: clinical testing. Allele origin: germline.
Comment: The p.N51S variant (also known as c.152A>G), located in coding exon 2 of the NBN gene, results from an A to G substitution at nucleotide position 152. The asparagine at codon 51 is replaced by serine, an amino acid with highly similar properties. This amino acid position is conserved. In addition, this alteration is predicted to be tolerated by in silico analysis. Based on the available evidence, the clinical significance of this variant remains unclear.

NM_002485.5(NBN):c.152A>G (p.Asn51Ser)

Gene: NBN (nibrin; minus strand). Cytogenetic location: 8q21.3.
Variant type: single nucleotide variant.
Coding change: c.152A>G on transcript NM_002485.5 (MANE Select); coding-DNA position 152, A replaced by G.
Protein change: p.Asn51Ser; replaces asparagine 51 with serine.
Molecular consequence: missense variant. On other transcripts: 5 prime UTR variant (1).
Genome position (GRCh38, 1-based): chr8:89,982,741, T>C on the plus strand (A>G on the coding strand, the complement: NBN is on the minus strand). VCF-style: chr8-89982741-T-C. GRCh37 (hg19) VCF-style: chr8-90994969-T-C.
Other names: c.-145A>G (NM_001024688.3); short protein forms N51S.
Identifiers: ClinVar variation 3917595 (VCV003917595.1).
Genomic context (GRCh38, chr8:89,982,741, plus strand): 5'-CCCCCTTACTGGAAACTAGTGAAATAAAATTAGTAACATACCAGGTTGGTTACAGAAAAG[T>C]TAGCAGTTAACACAGCATGATTTCGGCTGATCGACTGATCATTTTCAATCAGAATGGCAC-3'
Protein context (NP_002476.2, residues 41-61): ISRNHAVLTA[Asn51Ser]FSVTNLSQTD